The following is an entry in ClinVar:

NM_005188.4(CBL):c.124C>T (p.His42Tyr)

Genes: CBL (Cbl proto-oncogene; plus strand), LOC130006895 (ATAC-STARR-seq lymphoblastoid silent region 3975; plus strand). Cytogenetic location: 11q23.3.
Variant type: single nucleotide variant.
Coding change: c.124C>T on transcript NM_005188.4 (MANE Select); coding-DNA position 124, C replaced by T.
Protein change: p.His42Tyr; replaces histidine 42 with tyrosine.
Molecular consequence: missense variant.
Genome position (GRCh38, 1-based): chr11:119,206,541, C>T. VCF-style: chr11-119206541-C-T. GRCh37 (hg19) VCF-style: chr11-119077251-C-T.
Other names: short protein forms H42Y.
Identifiers: ClinVar variation 1445262 (VCV001445262.6), dbSNP rs368813067, ClinGen allele CA6318233.

ClinVar aggregate classification (germline): Uncertain significance (1 of 4 stars; one submission).

Conditions:
RASopathy. Also called: rasopathies; Noonan spectrum disorder. Identifiers: Orphanet 536391, MedGen C5555857, MONDO:0021060.

Allele frequency attached by ClinVar (database versions not stated): TOPMed below 0.00001; gnomAD 0.00001; gnomAD exomes 0.00001; ExAC 0.00006; ESP Exome Variant Server 0.00009.
gnomAD v4.1: 18 of 1,552,038 alleles (0.0012%); highest among the groups gnomAD compares: Non-Finnish European, 0.0016%; no homozygotes.

Submission:

Labcorp Genetics (formerly Invitae), Labcorp
Classification: Uncertain significance for RASopathy. Last evaluated: 2025-07-14. Review status: criteria provided, single submitter. Criteria: Invitae Variant Classification Sherloc (09022015). Collection method: clinical testing. Allele origin: germline.
Comment: This sequence change replaces histidine, which is basic and polar, with tyrosine, which is neutral and polar, at codon 42 of the CBL protein (p.His42Tyr). This variant is not present in population databases (gnomAD no frequency). This variant has not been reported in the literature in individuals affected with CBL-related conditions. ClinVar contains an entry for this variant (Variation ID: 1445262). Invitae Evidence Modeling of protein sequence and biophysical properties (such as structural, functional, and spatial information, amino acid conservation, physicochemical variation, residue mobility, and thermodynamic stability) indicates that this missense variant is not expected to disrupt CBL protein function with a negative predictive value of 95%. In summary, the available evidence is currently insufficient to determine the role of this variant in disease. Therefore, it has been classified as a Variant of Uncertain Significance.